The following is an entry in ClinVar:

Conditions:
Breast-ovarian cancer, familial, susceptibility to, 1 (BROVCA1). Also called: BRCA1 Hereditary Breast and Ovarian Cancer; OVARIAN CANCER, SUSCEPTIBILITY TO. Identifiers: Orphanet 145, MedGen C2676676, MONDO:0011450, OMIM 604370. Disease mechanism: loss of function.

Submission:

Brotman Baty Institute, University of Washington
No classification provided (evidence only). Condition: Breast-ovarian cancer, familial 1. Review status: no classification provided. Collection method: in vitro. Allele origin: not applicable. Functional consequence: functionally_normal.
ClinVar note: "not provided" was previously submitted as the classification for the variant. However, the classification appeared to be based only on an observation of functional data so it was converted to no classification on 2025-07-30.

NM_007294.4(BRCA1):c.5276A>T (p.Lys1759Met)

Gene: BRCA1 (BRCA1 DNA repair associated; minus strand). Cytogenetic location: 17q21.31.
Variant type: single nucleotide variant.
Coding change: c.5276A>T on transcript NM_007294.4 (MANE Select); coding-DNA position 5276, A replaced by T.
Protein change: p.Lys1759Met; replaces lysine 1759 with methionine.
Molecular consequence: missense variant. On other transcripts: non-coding transcript variant (1).
Genome position (GRCh38, 1-based): chr17:43,057,053, T>A on the plus strand (A>T on the coding strand, the complement: BRCA1 is on the minus strand). VCF-style: chr17-43057053-T-A. GRCh37 (hg19) VCF-style: chr17-41209070-T-A.
Other names: c.1886A>T, p.Lys629Met (NM_001408416.1, NM_001408412.1, NM_001408413.1 and 2 more transcripts); c.1844A>T, p.Lys615Met (NM_001408428.1, NM_001408429.1, NM_001408430.1 and 4 more transcripts); c.1841A>T, p.Lys614Met (NM_001408432.1, NM_001408433.1, NM_001408434.1 and 10 more transcripts); c.1838A>T, p.Lys613Met (NM_001408447.1, NM_001408448.1, NM_001408450.1 and 2 more transcripts); c.1832A>T, p.Lys611Met (NM_001408451.1); c.1826A>T, p.Lys609Met (NM_001408452.1, NM_001408453.1, NM_001408454.1 and 3 more transcripts); c.1823A>T, p.Lys608Met (NM_001408467.1, NM_001408458.1, NM_001408459.1 and 7 more transcripts); c.1820A>T, p.Lys607Met (NM_001408468.1, NM_001408469.1, NM_001408470.1); and 72 more; short protein forms K1759M, K1712M, K655M, K1780M, K1632M, K1647M, K1710M, K1733M.
Identifiers: ClinVar variation 868250 (VCV000868250.3), dbSNP rs431825415, ClinGen allele CA10590999.